The following is an entry in ClinVar:

NM_001430.5(EPAS1):c.713C>A (p.Pro238His)

Genes: EPAS1 (endothelial PAS domain protein 1; plus strand), LOC126806210 (BRD4-independent group 4 enhancer GRCh37_chr2:46587586-46588785; plus strand). Cytogenetic location: 2p21.
Variant type: single nucleotide variant.
Coding change: c.713C>A on transcript NM_001430.5 (MANE Select); coding-DNA position 713, C replaced by A.
Protein change: p.Pro238His; replaces proline 238 with histidine.
Molecular consequence: missense variant.
Genome position (GRCh38, 1-based): chr2:46,361,024, C>A. VCF-style: chr2-46361024-C-A. GRCh37 (hg19) VCF-style: chr2-46588163-C-A.
Other names: short protein forms P238H.
Identifiers: ClinVar variation 1757340 (VCV001757340.2), dbSNP rs1196809205, ClinGen allele CA346700238.

ClinVar aggregate classification (germline): Uncertain significance (1 of 4 stars; one submission).

Conditions:
Inborn genetic diseases. Identifiers: MedGen C0950123, MeSH D030342.

Allele frequency attached by ClinVar (database versions not stated): gnomAD exomes below 0.00001; gnomAD 0.00001; TOPMed 0.00001.
gnomAD v4.1: 10 of 1,614,052 alleles (0.00062%); highest among the groups gnomAD compares: Non-Finnish European, 0.00051%; no homozygotes.

Submission:

Ambry Genetics
Classification: Uncertain significance for Inborn genetic diseases. Last evaluated: 2021-09-21. Review status: criteria provided, single submitter. Criteria: Ambry Variant Classification Scheme 2023. Collection method: clinical testing. Allele origin: germline.
Comment: The p.P238H variant (also known as c.713C>A), located in coding exon 6 of the EPAS1 gene, results from a C to A substitution at nucleotide position 713. The proline at codon 238 is replaced by histidine, an amino acid with similar properties. This amino acid position is conserved. In addition, the in silico prediction for this alteration is inconclusive. Since supporting evidence is limited at this time, the clinical significance of this alteration remains unclear.